The following is an entry in ClinVar:

NM_016120.4(RLIM):c.58A>C (p.Arg20=)

Gene: RLIM (ring finger protein, LIM domain interacting; minus strand). Cytogenetic location: Xq13.2.
Variant type: single nucleotide variant.
Coding change: c.58A>C on transcript NM_016120.4 (MANE Select); coding-DNA position 58, A replaced by C.
Protein change: p.Arg20=; no amino-acid change (arginine 20 retained).
Molecular consequence: synonymous variant.
Genome position (GRCh38, 1-based): chrX:74,595,920, T>G on the plus strand (A>C on the coding strand, the complement: RLIM is on the minus strand). VCF-style: chrX-74595920-T-G. GRCh37 (hg19) VCF-style: chrX-73815755-T-G.
Other names: c.58A>C, p.Arg20= (NM_183353.3).
Identifiers: ClinVar variation 4823491 (VCV004823491.4).

ClinVar aggregate classification (germline): Likely benign (1 of 4 stars; one submission).

gnomAD v4.1: 3 of 1,207,981 alleles (0.00025%); highest among the groups gnomAD compares: Non-Finnish European, 0.00022%; no homozygotes.

Submission:

CeGaT Center for Human Genetics Tuebingen
Classification: Likely benign. Last evaluated: 2026-02-01. Review status: criteria provided, single submitter. Criteria: CeGaT Center For Human Genetics Tuebingen Variant Classification Criteria Version 2. Collection method: clinical testing. Allele origin: germline. Affected: yes. Observed: 1 variant allele.
Comment: RLIM: BP4, BP7